The following is an entry in ClinVar:

NM_001698.3(AUH):c.221A>C (p.Glu74Ala)

Genes: AUH (AU RNA binding methylglutaconyl-CoA hydratase; minus strand), LOC130002059 (ATAC-STARR-seq lymphoblastoid silent region 20025; plus strand). Cytogenetic location: 9q22.31.
Variant type: single nucleotide variant.
Coding change: c.221A>C on transcript NM_001698.3 (MANE Select); coding-DNA position 221, A replaced by C.
Protein change: p.Glu74Ala; replaces glutamic acid 74 with alanine.
Molecular consequence: missense variant. On other transcripts: 5 prime UTR variant (3).
Genome position (GRCh38, 1-based): chr9:91,361,669, T>G on the plus strand (A>C on the coding strand, the complement: AUH is on the minus strand). VCF-style: chr9-91361669-T-G. GRCh37 (hg19) VCF-style: chr9-94123951-T-G.
Other names: c.221A>C, p.Glu74Ala (NM_001306190.2); c.-177A>C (NM_001351431.2, NM_001351433.2); c.-269A>C (NM_001351432.2); short protein forms E74A.
Identifiers: ClinVar variation 2222210 (VCV002222210.4), dbSNP rs1319901161, ClinGen allele CA373836260.
Genomic context (GRCh38, chr9:91,361,669, plus strand): 5'-CCCAGCGTTCGCACCTCACCTCGGTTCTCCTCCTCCAGGTGCCGCACCCGCAGCTCGTCC[T>G]CCGTCTTCATCTCAGAGCTGTAGCCCCTTTTCGGGGCGGGACCCCCGGCCGCAGGTACCC-3'
Protein context (NP_001689.1, residues 64-84): KRGYSSEMKT[Glu74Ala]DELRVRHLEE

ClinVar aggregate classification (germline): Uncertain significance. Review status: criteria provided, multiple submitters, no conflicts (2 of 4 stars). 2 submissions from 2 submitters: Uncertain significance (2). Last evaluated 2024-11-27.

Conditions:
Inborn genetic diseases. Identifiers: MedGen C0950123, MeSH D030342.
3-methylglutaconic aciduria type 1 (MGCA1). Identifiers: Orphanet 67046, MedGen C0342727, MONDO:0009610, OMIM 250950.

Allele frequency attached by ClinVar (database versions not stated): gnomAD exomes 0.00003; gnomAD 0.00001; TOPMed 0.00001.
gnomAD v4.1: 48 of 1,579,700 alleles (0.003%); highest among the groups gnomAD compares: Non-Finnish European, 0.0039%; no homozygotes.

Submissions (2):

Labcorp Genetics (formerly Invitae), Labcorp
Classification: Uncertain significance for 3-methylglutaconic aciduria type 1. Last evaluated: 2024-11-27. Review status: criteria provided, single submitter. Criteria: Invitae Variant Classification Sherloc (09022015). Collection method: clinical testing. Allele origin: germline.
Comment: This sequence change replaces glutamic acid, which is acidic and polar, with alanine, which is neutral and non-polar, at codon 74 of the AUH protein (p.Glu74Ala). This variant is present in population databases (no rsID available, gnomAD 0.001%). This variant has not been reported in the literature in individuals affected with AUH-related conditions. ClinVar contains an entry for this variant (Variation ID: 2222210). An algorithm developed to predict the effect of missense changes on protein structure and function (PolyPhen-2) suggests that this variant is likely to be tolerated. In summary, the available evidence is currently insufficient to determine the role of this variant in disease. Therefore, it has been classified as a Variant of Uncertain Significance.

Ambry Genetics
Classification: Uncertain significance for Inborn genetic diseases. Last evaluated: 2022-01-04. Review status: criteria provided, single submitter. Criteria: Ambry Variant Classification Scheme 2023. Collection method: clinical testing. Allele origin: germline.